The following is an entry in ClinVar:

ClinVar aggregate classification (germline): Uncertain significance. Review status: criteria provided, multiple submitters, no conflicts (2 of 4 stars). 2 submissions from 2 submitters: Uncertain significance (2). Last evaluated 2024-02-23.

Conditions:
ALMS1-related disorder. Also called: ALMS1-related condition.
Alstrom syndrome (ALMS). Identifiers: Orphanet 64, MedGen C0268425, MONDO:0008763, OMIM 203800.

Allele frequency attached by ClinVar (database versions not stated): gnomAD exomes below 0.00001; ExAC 0.00002.
gnomAD v4.1: 5 of 1,614,166 alleles (0.00031%); highest among the groups gnomAD compares: South Asian, 0.0055%; no homozygotes.

Submissions (2):

PreventionGenetics, part of Exact Sciences
Classification: Uncertain significance for ALMS1-related condition. Last evaluated: 2024-02-23. Review status: criteria provided, single submitter. Criteria: ACMG Guidelines, 2015. Collection method: clinical testing. Allele origin: germline.
Comment: The ALMS1 c.12041G>A variant is predicted to result in the amino acid substitution p.Gly4014Asp. To our knowledge, this variant has not been reported in the literature. This variant is reported in 0.039% of alleles in individuals of European (Non-Finnish) descent in gnomAD. At this time, the clinical significance of this variant is uncertain due to the absence of conclusive functional and genetic evidence.

Revvity Omics, Revvity
Classification: Uncertain significance for Alstrom syndrome. Last evaluated: 2020-09-04. Review status: criteria provided, single submitter. Criteria: ACMG Guidelines, 2015. Collection method: clinical testing. Allele origin: germline.

NM_001378454.1(ALMS1):c.12038G>A (p.Gly4013Asp)

Genes: ALMS1 (ALMS1 centrosome and basal body associated protein; plus strand), LOC126806252 (BRD4-independent group 4 enhancer GRCh37_chr2:73828496-73829695; plus strand). Cytogenetic location: 2p13.1.
Variant type: single nucleotide variant.
Coding change: c.12038G>A on transcript NM_001378454.1 (MANE Select); coding-DNA position 12038, G replaced by A.
Protein change: p.Gly4013Asp; replaces glycine 4013 with aspartic acid.
Molecular consequence: missense variant.
Genome position (GRCh38, 1-based): chr2:73,601,360, G>A. VCF-style: chr2-73601360-G-A. GRCh37 (hg19) VCF-style: chr2-73828487-G-A.
Other names: c.12041G>A, p.Gly4014Asp (NM_015120.4); short protein forms G4013D, G4014D.
Identifiers: ClinVar variation 2439000 (VCV002439000.4), dbSNP rs775453122, ClinGen allele CA1715408.